The following is an entry in ClinVar:

NM_019066.5(MAGEL2):c.2582C>T (p.Ala861Val)

Gene: MAGEL2 (MAGE family member L2; minus strand). Cytogenetic location: 15q11.2.
Variant type: single nucleotide variant.
Coding change: c.2582C>T on transcript NM_019066.5 (MANE Select); coding-DNA position 2582, C replaced by T.
Protein change: p.Ala861Val; replaces alanine 861 with valine.
Molecular consequence: missense variant.
Genome position (GRCh38, 1-based): chr15:23,645,161, G>A on the plus strand (C>T on the coding strand, the complement: MAGEL2 is on the minus strand). VCF-style: chr15-23645161-G-A. GRCh37 (hg19) VCF-style: chr15-23890308-G-A.
Other names: c.2582C>T (NM_019066.4); short protein forms A861V.
Identifiers: ClinVar variation 1921624 (VCV001921624.8), dbSNP rs1340038294, ClinGen allele CA391330715.

ClinVar aggregate classification (germline): Uncertain significance. Review status: criteria provided, multiple submitters, no conflicts (2 of 4 stars). 3 submissions from 3 submitters: Uncertain significance (2). 1 of the submissions does not count toward it. Last evaluated 2024-04-24.

Conditions:
MAGEL2-related disorder. Also called: MAGEL2-related condition.

Allele frequency attached by ClinVar (database versions not stated): gnomAD 0.00001.
gnomAD v4.1: 28 of 1,613,710 alleles (0.0017%); highest among the groups gnomAD compares: Admixed American, 0.0067%; no homozygotes.

Submissions (3):

GeneDx
Classification: Uncertain significance. Last evaluated: 2024-04-24. Review status: criteria provided, single submitter. Criteria: GeneDx Variant Classification Process June 2021. Collection method: clinical testing. Allele origin: germline. Affected: yes.
Comment: In silico analysis indicates that this missense variant does not alter protein structure/function; Has not been previously published as pathogenic or benign to our knowledge

Labcorp Genetics (formerly Invitae), Labcorp
Classification: Uncertain significance. Last evaluated: 2024-01-29. Review status: criteria provided, single submitter. Criteria: Invitae Variant Classification Sherloc (09022015). Collection method: clinical testing. Allele origin: germline.
Comment: This sequence change replaces alanine, which is neutral and non-polar, with valine, which is neutral and non-polar, at codon 861 of the MAGEL2 protein (p.Ala861Val). This variant is present in population databases (no rsID available, gnomAD 0.009%). This variant has not been reported in the literature in individuals affected with MAGEL2-related conditions. ClinVar contains an entry for this variant (Variation ID: 1921624). Advanced modeling of protein sequence and biophysical properties (such as structural, functional, and spatial information, amino acid conservation, physicochemical variation, residue mobility, and thermodynamic stability) performed at Invitae indicates that this missense variant is not expected to disrupt MAGEL2 protein function with a negative predictive value of 80%. In summary, the available evidence is currently insufficient to determine the role of this variant in disease. Therefore, it has been classified as a Variant of Uncertain Significance.

PreventionGenetics, part of Exact Sciences
Classification: Uncertain significance for MAGEL2-related condition. Last evaluated: 2024-06-04. Review status: no assertion criteria provided. Collection method: clinical testing. Allele origin: germline. Not counted in ClinVar's aggregate classification.
Comment: The MAGEL2 c.2582C>T variant is predicted to result in the amino acid substitution p.Ala861Val. To our knowledge, this variant has not been reported in the literature. This variant is reported in 0.0087% of alleles in individuals of Latino descent in gnomAD. At this time, the clinical significance of this variant is uncertain due to the absence of conclusive functional and genetic evidence.